The following is an entry in ClinVar:

ClinVar aggregate classification (germline): Conflicting classifications of pathogenicity. Review status: criteria provided, conflicting classifications (1 of 4 stars). 2 submissions from 2 submitters: Uncertain significance (1); Likely benign (1). Last evaluated 2024-07-15.

Allele frequency attached by ClinVar (database versions not stated): gnomAD exomes below 0.00001; ExAC 0.00001; gnomAD 0.00002; TOPMed 0.00002; ESP Exome Variant Server 0.00008.

Submissions (2):

Labcorp Genetics (formerly Invitae), Labcorp
Classification: Uncertain significance. Last evaluated: 2024-07-15. Review status: criteria provided, single submitter. Criteria: Invitae Variant Classification Sherloc (09022015). Collection method: clinical testing. Allele origin: germline.
Comment: This sequence change affects codon 449 of the MARS2 mRNA. It is a 'silent' change, meaning that it does not change the encoded amino acid sequence of the MARS2 protein. This variant is present in population databases (rs374254535, gnomAD 0.0009%). This variant has not been reported in the literature in individuals affected with MARS2-related conditions. ClinVar contains an entry for this variant (Variation ID: 2651797). In summary, the available evidence is currently insufficient to determine the role of this variant in disease. Therefore, it has been classified as a Variant of Uncertain Significance.

CeGaT Center for Human Genetics Tuebingen
Classification: Likely benign. Last evaluated: 2023-03-01. Review status: criteria provided, single submitter. Criteria: CeGaT Center For Human Genetics Tuebingen Variant Classification Criteria Version 2. Collection method: clinical testing. Allele origin: germline. Affected: yes. Observed: 1 variant allele.
Comment: MARS2: BP4, BP7

NM_138395.4(MARS2):c.1347G>C (p.Leu449=)

Gene: MARS2 (methionyl-tRNA synthetase 2, mitochondrial; plus strand). Cytogenetic location: 2q33.1.
Variant type: single nucleotide variant.
Coding change: c.1347G>C on transcript NM_138395.4 (MANE Select); coding-DNA position 1347, G replaced by C.
Protein change: p.Leu449=; no amino-acid change (leucine 449 retained).
Molecular consequence: synonymous variant.
Genome position (GRCh38, 1-based): chr2:197,706,752, G>C. VCF-style: chr2-197706752-G-C. GRCh37 (hg19) VCF-style: chr2-198571476-G-C.
Identifiers: ClinVar variation 2651797 (VCV002651797.26), dbSNP rs374254535, ClinGen allele CA2044745.